The following is an entry in ClinVar:

NM_004360.5(CDH1):c.389C>G (p.Ala130Gly)

Gene: CDH1 (cadherin 1; plus strand). Cytogenetic location: 16q22.1.
Variant type: single nucleotide variant.
Coding change: c.389C>G on transcript NM_004360.5 (MANE Select); coding-DNA position 389, C replaced by G.
Protein change: p.Ala130Gly; replaces alanine 130 with glycine.
Molecular consequence: missense variant. On other transcripts: 5 prime UTR variant (2).
Genome position (GRCh38, 1-based): chr16:68,808,425, C>G. VCF-style: chr16-68808425-C-G. GRCh37 (hg19) VCF-style: chr16-68842328-C-G.
Other names: c.389C>G, p.Ala130Gly (NM_001317184.2); c.-1227C>G (NM_001317185.2); c.-1431C>G (NM_001317186.2); short protein forms A130G.
Identifiers: ClinVar variation 1735978 (VCV001735978.6), dbSNP rs1960723934, ClinGen allele CA396457522.

ClinVar aggregate classification (germline): Conflicting classifications of pathogenicity. Review status: criteria provided, conflicting classifications (1 of 4 stars). 2 submissions from 2 submitters: Uncertain significance (1); Likely benign (1). Last evaluated 2026-06-18.

Conditions:
Hereditary cancer-predisposing syndrome. Also called: Hereditary Cancer Syndrome; Hereditary neoplastic syndrome; Neoplastic Syndromes, Hereditary; Tumor predisposition. Identifiers: Orphanet 140162, MedGen C0027672, MeSH D009386, MONDO:0015356.
Hereditary diffuse gastric adenocarcinoma (HDGC). Also called: DIFFUSE GASTRIC AND LOBULAR BREAST CANCER SYNDROME. Identifiers: Orphanet 26106, MedGen C1708349, MONDO:0007648, OMIM 137215.

Submissions (2):

Ambry Genetics
Classification: Likely benign for Hereditary cancer-predisposing syndrome. Last evaluated: 2026-06-18. Review status: criteria provided, single submitter. Criteria: Ambry Variant Classification Scheme 2023. Collection method: clinical testing. Allele origin: germline.

Labcorp Genetics (formerly Invitae), Labcorp
Classification: Uncertain significance for Hereditary diffuse gastric adenocarcinoma. Last evaluated: 2025-03-26. Review status: criteria provided, single submitter. Criteria: Invitae Variant Classification Sherloc (09022015). Collection method: clinical testing. Allele origin: germline.
Comment: This sequence change replaces alanine, which is neutral and non-polar, with glycine, which is neutral and non-polar, at codon 130 of the CDH1 protein (p.Ala130Gly). This variant is not present in population databases (gnomAD no frequency). This variant has not been reported in the literature in individuals affected with CDH1-related conditions. ClinVar contains an entry for this variant (Variation ID: 1735978). An algorithm developed to predict the effect of missense changes on protein structure and function (PolyPhen-2) suggests that this variant is likely to be tolerated. In summary, the available evidence is currently insufficient to determine the role of this variant in disease. Therefore, it has been classified as a Variant of Uncertain Significance.